The following is an entry in ClinVar:

NM_001365276.2(TNXB):c.4885G>A (p.Glu1629Lys)

Gene: TNXB (tenascin XB; minus strand). Cytogenetic location: 6p21.33.
Variant type: single nucleotide variant.
Coding change: c.4885G>A on transcript NM_001365276.2 (MANE Select); coding-DNA position 4885, G replaced by A.
Protein change: p.Glu1629Lys; replaces glutamic acid 1629 with lysine.
Molecular consequence: missense variant.
Genome position (GRCh38, 1-based): chr6:32,072,095, C>T on the plus strand (G>A on the coding strand, the complement: TNXB is on the minus strand). VCF-style: chr6-32072095-C-T. GRCh37 (hg19) VCF-style: chr6-32039872-C-T.
Other names: p.Glu1629Lys; c.4885G>A, p.Glu1629Lys (NM_019105.8); short protein forms E1629K.
Identifiers: ClinVar variation 1279489 (VCV001279489.9), dbSNP rs78493656, ClinGen allele CA3734861.

ClinVar aggregate classification (germline): Benign/Likely benign. Review status: criteria provided, multiple submitters, no conflicts (2 of 4 stars). 6 submissions from 6 submitters: Benign (5); Likely benign (1). Last evaluated 2026-02-04.

Conditions:
Ehlers-Danlos syndrome (EDS). Identifiers: Orphanet 98249, MedGen C0013720, MONDO:0020066.
Cardiovascular phenotype. Identifiers: MedGen CN230736.

Allele frequency attached by ClinVar (database versions not stated): gnomAD 0.00197 and 0.00296; gnomAD exomes 0.00627 and 0.00280; TOPMed 0.00338; ExAC 0.00610; 1000 Genomes Project 30x 0.01265; 1000 Genomes Project 0.01378.
gnomAD v4.1: 4,648 of 1,613,088 alleles (0.29%); highest among the groups gnomAD compares: East Asian, 7.3%; 149 homozygotes.

Submissions (6):

Labcorp Genetics (formerly Invitae), Labcorp
Classification: Benign. Last evaluated: 2026-02-04. Review status: criteria provided, single submitter. Criteria: Invitae Variant Classification Sherloc (09022015). Collection method: clinical testing. Allele origin: germline.

Women's Health and Genetics/Laboratory Corporation of America, LabCorp
Classification: Likely benign. Last evaluated: 2026-01-22. Review status: criteria provided, single submitter. Criteria: LabCorp Variant Classification Summary - May 2015. Collection method: clinical testing. Allele origin: germline.

Mayo Clinic Laboratories, Mayo Clinic
Classification: Benign. Last evaluated: 2024-08-21. Review status: criteria provided, single submitter. Criteria: ACMG Guidelines, 2015. Collection method: clinical testing. Allele origin: germline. Observed: 6 variant alleles.
Comment: BA1

GeneDx
Classification: Benign. Last evaluated: 2020-12-04. Review status: criteria provided, single submitter. Criteria: GeneDx Variant Classification Process June 2021. Collection method: clinical testing. Allele origin: germline. Affected: yes.

Genome Diagnostics Laboratory, The Hospital for Sick Children
Classification: Benign for Ehlers-Danlos syndrome. Last evaluated: 2020-07-10. Review status: criteria provided, single submitter. Criteria: ACMG Guidelines, 2015. Collection method: clinical testing. Allele origin: germline.

Ambry Genetics
Classification: Benign for Cardiovascular phenotype. Last evaluated: 2019-03-04. Review status: criteria provided, single submitter. Criteria: Ambry Variant Classification Scheme 2023. Collection method: clinical testing. Allele origin: germline.